The following is an entry in ClinVar:

ClinVar aggregate classification (germline): Benign. Review status: criteria provided, multiple submitters, no conflicts (2 of 4 stars). 3 submissions from 3 submitters: Benign (2). 1 of the submissions does not count toward it. Last evaluated 2018-06-26.

Allele frequency attached by ClinVar (database versions not stated): ESP Exome Variant Server 0.06772; TOPMed 0.07754; 1000 Genomes Project 30x 0.12117; 1000 Genomes Project 0.12360.
gnomAD v4.1: 129,608 of 1,611,910 alleles (8%); highest among the groups gnomAD compares: East Asian, 24%; 6,256 homozygotes.

Submissions (3):

GeneDx
Classification: Benign. Last evaluated: 2018-06-26. Review status: criteria provided, single submitter. Criteria: GeneDx Variant Classification Process June 2021. Collection method: clinical testing. Allele origin: germline. Affected: yes.

Breakthrough Genomics
Classification: Benign. Review status: criteria provided, single submitter. Criteria: ACMG Guidelines, 2015. Collection method: not provided. Allele origin: germline. Inheritance: Autosomal recessive inheritance. Affected: yes.

Genetic Services Laboratory, University of Chicago
Classification: Likely benign. Review status: no assertion criteria provided. Collection method: clinical testing. Allele origin: germline. Inheritance: Autosomal recessive inheritance. Not counted in ClinVar's aggregate classification.
Comment: Likely benign based on allele frequency in 1000 Genomes Project or ESP global frequency and its presence in a patient with a rare or unrelated disease phenotype. NOT Sanger confirmed

NM_017668.3(NDE1):c.386+41C>G

Gene: NDE1 (nudE neurodevelopment protein 1; plus strand). Cytogenetic location: 16p13.11.
Variant type: single nucleotide variant.
Coding change: c.386+41C>G on transcript NM_017668.3 (MANE Select); 41 bases into the intron after coding-DNA position 386, C replaced by G.
Molecular consequence: intron variant.
Genome position (GRCh38, 1-based): chr16:15,677,990, C>G. VCF-style: chr16-15677990-C-G. GRCh37 (hg19) VCF-style: chr16-15771847-C-G.
Other names: c.386+41C>G (NM_001143979.2).
Identifiers: ClinVar variation 159013 (VCV000159013.9), dbSNP rs62036933, ClinGen allele CA172610.
Genomic context (GRCh38, chr16:15,677,990, plus strand): 5'-GACCTGGAAAGAGCCAAGCGGTATGGGTGGAAGGGAAAAGCACGAGTGGGAGACTCTCCT[C>G]TCTGCTTTTTGTCCCCAGCAGCTGGGTACTGGGCCCTGTGCTGAGTATAGGGAACTAAGC-3'